The following is an entry in ClinVar:

ClinVar aggregate classification (germline): Pathogenic (1 of 4 stars; one submission).

Submission:

ISCA site 17
Classification: Pathogenic. Last evaluated: 2011-08-12. Review status: criteria provided, single submitter. Criteria: Kaminsky et al. (Genet Med. 2011). Collection method: clinical testing. Allele origin: unknown. Affected: yes. Observed: 1 variant allele.
Comment: Copy number variation identified through the course of routine clinical cytogenomic testing in postnatal populations. Clinical assertions have been curated as described in Kaminsky et al. 2011.

GRCh38/hg38 8q12.1-21.13(chr8:57361243-79170078)x3

Genes: ADHFE1 (alcohol dehydrogenase iron containing 1; plus strand), ARFGEF1 (ARF guanine nucleotide exchange factor 1; minus strand), ARFGEF1-DT (ARFGEF1 divergent transcript; plus strand), ARMC1 (armadillo repeat containing 1; minus strand), ASPH (aspartate beta-hydroxylase; minus strand) and 422 more. Cytogenetic location: 8q12.1-21.13.
Variant type: copy number gain.
Change: copy number 3 (three copies instead of two) of chr8:57,361,243-79,170,078 (21.81 Mb, GRCh38 coordinates, 1-based), cytogenetic band 8q12.1-21.13.
Identifiers: ClinVar variation 59787 (VCV000059787.1).